The following is an entry in ClinVar:

NM_000447.3(PSEN2):c.1176C>T (p.Phe392=)

Gene: PSEN2 (presenilin 2; plus strand). Cytogenetic location: 1q42.13.
Variant type: single nucleotide variant.
Coding change: c.1176C>T on transcript NM_000447.3 (MANE Select); coding-DNA position 1176, C replaced by T.
Protein change: p.Phe392=; no amino-acid change (phenylalanine 392 retained).
Molecular consequence: synonymous variant.
Genome position (GRCh38, 1-based): chr1:226,894,110, C>T. VCF-style: chr1-226894110-C-T. GRCh37 (hg19) VCF-style: chr1-227081811-C-T.
Other names: p.Phe392=; c.1173C>T, p.Phe391= (NM_012486.3).
Identifiers: ClinVar variation 533782 (VCV000533782.23), dbSNP rs115652716, ClinGen allele CA1424822.

ClinVar aggregate classification (germline): Benign/Likely benign. Review status: criteria provided, multiple submitters, no conflicts (2 of 4 stars). 9 submissions from 8 submitters: Benign (4); Likely benign (3). 2 of the submissions do not count toward it. Last evaluated 2025-12-24.

Conditions:
Alzheimer disease 4 (AD4). Identifiers: Orphanet 1020, MedGen C1847200, MONDO:0011743, OMIM 606889.
Dilated cardiomyopathy 1V (CMD1V). Identifiers: Orphanet 154, MedGen C3150958, MONDO:0013373, OMIM 613697.

Allele frequency attached by ClinVar (database versions not stated): gnomAD exomes 0.00050 and 0.00127; ExAC 0.00165; 1000 Genomes Project 0.00439; 1000 Genomes Project 30x 0.00547; TOPMed 0.00580; gnomAD 0.00483 and 0.00524; ESP Exome Variant Server 0.00638.
gnomAD v4.1: 1,508 of 1,613,984 alleles (0.093%); highest among the groups gnomAD compares: African/African-American, 1.7%; 10 homozygotes.

Submissions (9):

Labcorp Genetics (formerly Invitae), Labcorp
Classification: Benign for Alzheimer disease 4. Last evaluated: 2025-12-24. Review status: criteria provided, single submitter. Criteria: Invitae Variant Classification Sherloc (09022015). Collection method: clinical testing. Allele origin: germline.

Blueprint Genetics
Classification: Likely benign. Last evaluated: 2024-11-25. Review status: criteria provided, single submitter. Criteria: ACMG Guidelines, 2015. Collection method: clinical testing. Allele origin: germline.

Mayo Clinic Laboratories, Mayo Clinic
Classification: Benign. Last evaluated: 2024-08-07. Review status: criteria provided, single submitter. Criteria: ACMG Guidelines, 2015. Collection method: clinical testing. Allele origin: germline. Observed: 5 variant alleles.
Comment: BS1, BS2, BP2, BP4, BP7

Athena Diagnostics
Classification: Benign. Last evaluated: 2024-05-14. Review status: criteria provided, single submitter. Criteria: Athena Diagnostics Criteria. Collection method: clinical testing. Allele origin: unknown.

GeneDx
Classification: Likely benign. Last evaluated: 2020-11-09. Review status: criteria provided, single submitter. Criteria: GeneDx Variant Classification Process June 2021. Collection method: clinical testing. Allele origin: germline. Affected: yes.
Comment: See Variant Classification Assertion Criteria.

Illumina Laboratory Services, Illumina
Classification: Likely benign for Dilated cardiomyopathy 1V. Last evaluated: 2018-01-13. Review status: criteria provided, single submitter. Criteria: ICSL Variant Classification Criteria 13 December 2019. Collection method: clinical testing. Allele origin: germline.
Comment: This variant was observed in the ICSL laboratory as part of a predisposition screen in an ostensibly healthy population. It had not been previously curated by ICSL or reported in the Human Gene Mutation Database (HGMD: prior to June 1st, 2018), and was therefore a candidate for classification through an automated scoring system. Utilizing variant allele frequency, disease prevalence and penetrance estimates, and inheritance mode, an automated score was calculated to assess if this variant is too frequent to cause the disease. Based on the score and internal cut-off values, a variant classified as likely benign is not then subjected to further curation. The score for this variant resulted in a classification of likely benign for this disease.

Illumina Laboratory Services, Illumina
Classification: Benign for Alzheimer disease 4. Last evaluated: 2018-01-13. Review status: criteria provided, single submitter. Criteria: ICSL Variant Classification Criteria 13 December 2019. Collection method: clinical testing. Allele origin: germline.
Comment: This variant was observed in the ICSL laboratory as part of a predisposition screen in an ostensibly healthy population. It had not been previously curated by ICSL or reported in the Human Gene Mutation Database (HGMD: prior to June 1st, 2018), and was therefore a candidate for classification through an automated scoring system. Utilizing variant allele frequency, disease prevalence and penetrance estimates, and inheritance mode, an automated score was calculated to assess if this variant is too frequent to cause the disease. Based on the score and internal cut-off values, a variant classified as benign is not then subjected to further curation. The score for this variant resulted in a classification of benign for this disease.

Diagnostic Laboratory, Department of Genetics, University Medical Center Groningen
Classification: Likely benign. Review status: no assertion criteria provided. Collection method: clinical testing. Allele origin: germline. Affected: yes. Study: VKGL Data-share Consensus. Not counted in ClinVar's aggregate classification.

Genome Diagnostics Laboratory, Amsterdam University Medical Center
Classification: Benign. Review status: no assertion criteria provided. Collection method: clinical testing. Allele origin: germline. Affected: yes. Study: VKGL Data-share Consensus. Not counted in ClinVar's aggregate classification.